The following is an entry in ClinVar:

NM_001377.3(DYNC2H1):c.544C>G (p.Gln182Glu)

Gene: DYNC2H1 (dynein cytoplasmic 2 heavy chain 1; plus strand). Cytogenetic location: 11q22.3.
Variant type: single nucleotide variant.
Coding change: c.544C>G on transcript NM_001377.3 (MANE Select); coding-DNA position 544, C replaced by G.
Protein change: p.Gln182Glu; replaces glutamine 182 with glutamic acid.
Molecular consequence: missense variant.
Genome position (GRCh38, 1-based): chr11:103,115,218, C>G. VCF-style: chr11-103115218-C-G. GRCh37 (hg19) VCF-style: chr11-102985947-C-G.
Other names: c.544C>G, p.Gln182Glu (NM_001080463.2); short protein forms Q182E.
Identifiers: ClinVar variation 1966179 (VCV001966179.4), dbSNP rs745983021, ClinGen allele CA6252526.
Genomic context (GRCh38, chr11:103,115,218, plus strand): 5'-CCCCTCTTGACTTTTATAGGTATCCTTACACCAAGCGATGAGTTCCAGTTTTGGATAGAA[C>G]AAGCTCACCGTGGAAATAAACAGATTAGTAAAGAAAGAGCCAATTATTTTAAAGAATTAT-3'
Protein context (NP_001368.2, residues 172-192): PSDEFQFWIE[Gln182Glu]AHRGNKQISK

ClinVar aggregate classification (germline): Uncertain significance. Review status: criteria provided, multiple submitters, no conflicts (2 of 4 stars). 2 submissions from 2 submitters: Uncertain significance (2). Last evaluated 2024-02-24.

Conditions:
Jeune thoracic dystrophy. Also called: Jeune syndrome; Infantile thoracic dystrophy; Thoracic pelvic phalangeal dystrophy; Jeune's syndrome; Chondroectodermal dysplasia-like syndrome; Short-rib thoracic dysplasia. Identifiers: Orphanet 474, MedGen C0265275, MONDO:0018770.

Allele frequency attached by ClinVar (database versions not stated): gnomAD 0.00001; ExAC 0.00003.
gnomAD v4.1: 3 of 1,610,694 alleles (0.00019%); highest among the groups gnomAD compares: Non-Finnish European, 0.00025%; no homozygotes.

Submissions (2):

Labcorp Genetics (formerly Invitae), Labcorp
Classification: Uncertain significance for Jeune thoracic dystrophy. Last evaluated: 2024-02-24. Review status: criteria provided, single submitter. Criteria: Invitae Variant Classification Sherloc (09022015). Collection method: clinical testing. Allele origin: germline.
Comment: This sequence change replaces glutamine, which is neutral and polar, with glutamic acid, which is acidic and polar, at codon 182 of the DYNC2H1 protein (p.Gln182Glu). This variant is present in population databases (rs745983021, gnomAD 0.005%). This variant has not been reported in the literature in individuals affected with DYNC2H1-related conditions. ClinVar contains an entry for this variant (Variation ID: 1966179). Advanced modeling of protein sequence and biophysical properties (such as structural, functional, and spatial information, amino acid conservation, physicochemical variation, residue mobility, and thermodynamic stability) performed at Invitae indicates that this missense variant is not expected to disrupt DYNC2H1 protein function with a negative predictive value of 95%. In summary, the available evidence is currently insufficient to determine the role of this variant in disease. Therefore, it has been classified as a Variant of Uncertain Significance.

Blueprint Genetics
Classification: Uncertain significance. Last evaluated: 2024-02-12. Review status: criteria provided, single submitter. Criteria: ACMG Guidelines, 2015. Collection method: clinical testing. Allele origin: germline.